The following is an entry in ClinVar:

ClinVar aggregate classification (germline): Uncertain significance (1 of 4 stars; one submission).

gnomAD v4.1: 10 of 1,204,506 alleles (0.00083%); highest among the groups gnomAD compares: Non-Finnish European, 0.001%; no homozygotes.

Submission:

Labcorp Genetics (formerly Invitae), Labcorp
Classification: Uncertain significance. Last evaluated: 2025-04-20. Review status: criteria provided, single submitter. Criteria: Invitae Variant Classification Sherloc (09022015). Collection method: clinical testing. Allele origin: germline.
Comment: This sequence change replaces arginine, which is basic and polar, with leucine, which is neutral and non-polar, at codon 146 of the FRMD7 protein (p.Arg146Leu). This variant is present in population databases (no rsID available, gnomAD 0.04%). This variant has not been reported in the literature in individuals affected with FRMD7-related conditions. An algorithm developed to predict the effect of missense changes on protein structure and function (PolyPhen-2) suggests that this variant is likely to be disruptive. In summary, the available evidence is currently insufficient to determine the role of this variant in disease. Therefore, it has been classified as a Variant of Uncertain Significance.

NM_194277.3(FRMD7):c.437G>T (p.Arg146Leu)

Gene: FRMD7 (FERM domain containing 7; minus strand). Cytogenetic location: Xq26.2.
Variant type: single nucleotide variant.
Coding change: c.437G>T on transcript NM_194277.3 (MANE Select); coding-DNA position 437, G replaced by T.
Protein change: p.Arg146Leu; replaces arginine 146 with leucine.
Molecular consequence: missense variant.
Genome position (GRCh38, 1-based): chrX:132,085,980, C>A on the plus strand (G>T on the coding strand, the complement: FRMD7 is on the minus strand). VCF-style: chrX-132085980-C-A. GRCh37 (hg19) VCF-style: chrX-131220008-C-A.
Other names: c.392G>T, p.Arg131Leu (NM_001306193.2); short protein forms R131L, R146L.
Identifiers: ClinVar variation 4717985 (VCV004717985.1).